The following is an entry in ClinVar:

ClinVar aggregate classification (germline): Pathogenic (1 of 4 stars; one submission).

Conditions:
Alagille syndrome due to a JAG1 point mutation. Also called: HEPATIC DUCTULAR HYPOPLASIA, SYNDROMATIC; Alagille Syndrome 1; JAG1-Related Alagille Syndrome. Identifiers: Orphanet 261619, Orphanet 52, MedGen C1956125, MONDO:0016862, OMIM 118450.

Submission:

Breakthrough Genomics
Classification: Pathogenic for Alagille syndrome due to a JAG1 point mutation. Last evaluated: 2019-10-17. Review status: criteria provided, single submitter. Criteria: ACMG Guidelines, 2015. Collection method: clinical testing. Allele origin: germline. Affected: yes.
Comment: This variant is predicted to cause a frameshift and consequent premature termination of the protein (p.His850ThrfsTer20). The truncated protein is likely to lack the transmembrane domain of the protein [PMID: 25606387]; this will likely result in loss-of function. The variant seems to be a novel variant, as it has not been previously reported in literature. However, truncating variants, lying downstream of the have been reported as pathogenic in the ClinVar database with respect to Alagille syndrome. Loss-of-function variants in JAG1 are known to be pathogenic [PMID: 11180599, 12497640].

NM_000214.3(JAG1):c.2547del (p.His850fs)

Gene: JAG1 (jagged canonical Notch ligand 1; minus strand). Cytogenetic location: 20p12.2.
Variant type: Deletion.
Coding change: c.2547del on transcript NM_000214.3 (MANE Select); coding-DNA position 2547, one base deleted (G; older notation c.2547delG).
Protein change: p.His850fs; shifts the reading frame from histidine 850.
Molecular consequence: frameshift variant.
Genome position (GRCh38, 1-based): chr20:10,642,513, C deleted on the plus strand (G on the coding strand, the reverse complement: JAG1 is on the minus strand); the first of 3 consecutive C bases (chr20:10,642,513-10,642,515); deleting any one gives the same sequence. VCF-style (leftmost placement, unchanged base first): chr20-10642512-GC-G. GRCh37 (hg19) VCF-style: chr20-10623160-GC-G.
Other names: p.His850ThrfsTer20; short protein forms H850fs.
Identifiers: ClinVar variation 3255583 (VCV003255583.2).